The following is an entry in ClinVar:

NM_032603.5(LOXL3):c.65C>G (p.Ser22Trp)

Genes: DOK1 (docking protein 1; plus strand), LOXL3 (lysyl oxidase like 3; minus strand). Cytogenetic location: 2p13.1.
Variant type: single nucleotide variant.
Coding change: c.65C>G on transcript NM_032603.5 (MANE Select); coding-DNA position 65, C replaced by G.
Protein change: p.Ser22Trp; replaces serine 22 with tryptophan.
Molecular consequence: missense variant. On other transcripts: intron variant (1).
Genome position (GRCh38, 1-based): chr2:74,552,570, G>C on the plus strand (C>G on the coding strand, the complement: LOXL3 is on the minus strand). VCF-style: chr2-74552570-G-C. GRCh37 (hg19) VCF-style: chr2-74779697-G-C.
Other names: c.65C>G, p.Ser22Trp (NM_001289164.3); c.-357-2584G>C (NM_001197260.2); short protein forms S22W.
Identifiers: ClinVar variation 1503627 (VCV001503627.5), dbSNP rs1161916684, ClinGen allele CA347397993.

ClinVar aggregate classification (germline): Uncertain significance (1 of 4 stars; one submission).

Submission:

Labcorp Genetics (formerly Invitae), Labcorp
Classification: Uncertain significance. Last evaluated: 2025-08-18. Review status: criteria provided, single submitter. Criteria: Invitae Variant Classification Sherloc (09022015). Collection method: clinical testing. Allele origin: germline.
Comment: This sequence change replaces serine, which is neutral and polar, with tryptophan, which is neutral and slightly polar, at codon 22 of the LOXL3 protein (p.Ser22Trp). This variant is not present in population databases (gnomAD no frequency). This variant has not been reported in the literature in individuals affected with LOXL3-related conditions. ClinVar contains an entry for this variant (Variation ID: 1503627). An algorithm developed to predict the effect of missense changes on protein structure and function outputs the following: PolyPhen-2: "Benign". The tryptophan amino acid residue is found in multiple mammalian species, which suggests that this missense change does not adversely affect protein function. In summary, the available evidence is currently insufficient to determine the role of this variant in disease. Therefore, it has been classified as a Variant of Uncertain Significance.